The following is an entry in ClinVar:

NM_000256.3(MYBPC3):c.866A>G (p.Asp289Gly)

Gene: MYBPC3 (myosin binding protein C3; minus strand). Cytogenetic location: 11p11.2.
Variant type: single nucleotide variant.
Coding change: c.866A>G on transcript NM_000256.3 (MANE Select); coding-DNA position 866, A replaced by G.
Protein change: p.Asp289Gly; replaces aspartic acid 289 with glycine.
Molecular consequence: missense variant.
Genome position (GRCh38, 1-based): chr11:47,347,465, T>C on the plus strand (A>G on the coding strand, the complement: MYBPC3 is on the minus strand). VCF-style: chr11-47347465-T-C. GRCh37 (hg19) VCF-style: chr11-47369016-T-C.
Other names: short protein forms D289G.
Identifiers: ClinVar variation 1490501 (VCV001490501.8), dbSNP rs2142865222, ClinGen allele CA380333342.

ClinVar aggregate classification (germline): Uncertain significance (1 of 4 stars; one submission).

Conditions:
Hypertrophic cardiomyopathy. Also called: HYPERTROPHIC MYOCARDIOPATHY. Identifiers: Orphanet 217569, MedGen C0007194, MeSH D002312, MONDO:0005045, HP:0001639.

Submission:

Labcorp Genetics (formerly Invitae), Labcorp
Classification: Uncertain significance for Hypertrophic cardiomyopathy. Last evaluated: 2022-03-23. Review status: criteria provided, single submitter. Criteria: Invitae Variant Classification Sherloc (09022015). Collection method: clinical testing. Allele origin: germline.
Comment: In summary, the available evidence is currently insufficient to determine the role of this variant in disease. Therefore, it has been classified as a Variant of Uncertain Significance. Algorithms developed to predict the effect of sequence changes on RNA splicing suggest that this variant may disrupt the consensus splice site. Algorithms developed to predict the effect of missense changes on protein structure and function are either unavailable or do not agree on the potential impact of this missense change (SIFT: "Deleterious"; PolyPhen-2: "Possibly Damaging"; Align-GVGD: "Class C0"). This variant has not been reported in the literature in individuals affected with MYBPC3-related conditions. This variant is not present in population databases (gnomAD no frequency). This sequence change replaces aspartic acid, which is acidic and polar, with glycine, which is neutral and non-polar, at codon 289 of the MYBPC3 protein (p.Asp289Gly).